The following is an entry in ClinVar:

NM_003995.4(NPR2):c.1112G>A (p.Arg371Gln)

Gene: NPR2 (natriuretic peptide receptor 2; plus strand). Cytogenetic location: 9p13.3.
Variant type: single nucleotide variant.
Coding change: c.1112G>A on transcript NM_003995.4 (MANE Select); coding-DNA position 1112, G replaced by A.
Protein change: p.Arg371Gln; replaces arginine 371 with glutamine.
Molecular consequence: missense variant.
Genome position (GRCh38, 1-based): chr9:35,800,146, G>A. VCF-style: chr9-35800146-G-A. GRCh37 (hg19) VCF-style: chr9-35800143-G-A.
Other names: c.1112G>A, p.Arg371Gln (NM_001378923.1); short protein forms R371Q.
Identifiers: ClinVar variation 2172426 (VCV002172426.4), dbSNP rs1309103350, ClinGen allele CA373370317.
Genomic context (GRCh38, chr9:35,800,146, plus strand): 5'-CAATACAGGAAGGAGGCACCCGGGAGGATGGACTTCGAATTGTGGAAAAGATGCAGGGAC[G>A]AAGATATCACGGTAATGAAGAGGGGTCAATGGGGGTCTGAGGGCTGATGTCAGGAATAGA-3'
Protein context (NP_003986.2, residues 361-381): GLRIVEKMQG[Arg371Gln]RYHGVTGLVV

ClinVar aggregate classification (germline): Uncertain significance (1 of 4 stars; one submission).

Conditions:
Acromesomelic dysplasia 1, Maroteaux type (AMD1). Also called: ACROMESOMELIC DYSPLASIA 1; ST. HELENA DYSPLASIA. Identifiers: Orphanet 40, MedGen C1864356, MONDO:0011275, OMIM 602875.
Tall stature-scoliosis-macrodactyly of the great toes syndrome. Also called: Epiphyseal chondrodysplasia, miura type. Identifiers: Orphanet 329191, MedGen C4014690, MONDO:0014401, OMIM 615923.

Allele frequency attached by ClinVar (database versions not stated): gnomAD exomes below 0.00001.

Submission:

Labcorp Genetics (formerly Invitae), Labcorp
Classification: Uncertain significance for Tall stature-scoliosis-macrodactyly of the great toes syndrome; Acromesomelic dysplasia 1, Maroteaux type. Last evaluated: 2025-02-17. Review status: criteria provided, single submitter. Criteria: Invitae Variant Classification Sherloc (09022015). Collection method: clinical testing. Allele origin: germline.
Comment: This sequence change replaces arginine, which is basic and polar, with glutamine, which is neutral and polar, at codon 371 of the NPR2 protein (p.Arg371Gln). This variant is present in population databases (no rsID available, gnomAD 0.006%). This missense change has been observed in individual(s) with acromesomelic dysplasia (PMID: 35368703). In at least one individual the data is consistent with being in trans (on the opposite chromosome) from a pathogenic variant. ClinVar contains an entry for this variant (Variation ID: 2172426). Invitae Evidence Modeling of protein sequence and biophysical properties (such as structural, functional, and spatial information, amino acid conservation, physicochemical variation, residue mobility, and thermodynamic stability) indicates that this missense variant is not expected to disrupt NPR2 protein function with a negative predictive value of 80%. In summary, the available evidence is currently insufficient to determine the role of this variant in disease. Therefore, it has been classified as a Variant of Uncertain Significance.

Literature cited by the submitters: PubMed 35368703.